The following is an entry in ClinVar:

NM_001081.4(CUBN):c.8061A>G (p.Thr2687=)

Gene: CUBN (cubilin; minus strand). Cytogenetic location: 10p13.
Variant type: single nucleotide variant.
Coding change: c.8061A>G on transcript NM_001081.4 (MANE Select); coding-DNA position 8061, A replaced by G.
Protein change: p.Thr2687=; no amino-acid change (threonine 2687 retained).
Molecular consequence: synonymous variant.
Genome position (GRCh38, 1-based): chr10:16,903,967, T>C on the plus strand (A>G on the coding strand, the complement: CUBN is on the minus strand). VCF-style: chr10-16903967-T-C. GRCh37 (hg19) VCF-style: chr10-16945966-T-C.
Identifiers: ClinVar variation 2043535 (VCV002043535.4), dbSNP rs570639320, ClinGen allele CA5423160.

ClinVar aggregate classification (germline): Uncertain significance (1 of 4 stars; one submission).

Conditions:
Imerslund-Grasbeck syndrome. Also called: Imerslund-Gräsbeck syndrome; PERNICIOUS ANEMIA, JUVENILE, DUE TO SELECTIVE INTESTINAL MALABSORPTION OF VITAMIN B12, WITH PROTEINURIA; Megaloblastic anemia due to inborn errors of metabolism; ENTEROCYTE COBALAMIN MALABSORPTION; ENTEROCYTE INTRINSIC FACTOR RECEPTOR, DEFECT OF. Identifiers: Orphanet 35858, MedGen C4551825, MONDO:0009853.

Allele frequency attached by ClinVar (database versions not stated): ExAC 0.00001; gnomAD 0.00001; 1000 Genomes Project 30x 0.00016; gnomAD exomes 0.00001; 1000 Genomes Project 0.00020.
gnomAD v4.1: 9 of 1,600,902 alleles (0.00056%); highest among the groups gnomAD compares: Middle Eastern, 0.017%; no homozygotes.

Submission:

Labcorp Genetics (formerly Invitae), Labcorp
Classification: Uncertain significance for Imerslund-Grasbeck syndrome. Last evaluated: 2022-03-13. Review status: criteria provided, single submitter. Criteria: Invitae Variant Classification Sherloc (09022015). Collection method: clinical testing. Allele origin: germline.
Comment: Algorithms developed to predict the effect of sequence changes on RNA splicing suggest that this variant may create or strengthen a splice site. In summary, the available evidence is currently insufficient to determine the role of this variant in disease. Therefore, it has been classified as a Variant of Uncertain Significance. This variant has not been reported in the literature in individuals affected with CUBN-related conditions. This variant is present in population databases (rs570639320, gnomAD 0.003%). This sequence change affects codon 2687 of the CUBN mRNA. It is a 'silent' change, meaning that it does not change the encoded amino acid sequence of the CUBN protein. It affects a nucleotide within the consensus splice site.